The following is an entry in ClinVar:

ClinVar aggregate classification (germline): Likely benign. Review status: criteria provided, multiple submitters, no conflicts (2 of 4 stars). 2 submissions from 2 submitters: Likely benign (2). Last evaluated 2026-02-01.

gnomAD v4.1: 4 of 1,210,860 alleles (0.00033%); highest among the groups gnomAD compares: Non-Finnish European, 0.00034%; no homozygotes.

Submissions (2):

CeGaT Center for Human Genetics Tuebingen
Classification: Likely benign. Last evaluated: 2026-02-01. Review status: criteria provided, single submitter. Criteria: CeGaT Center For Human Genetics Tuebingen Variant Classification Criteria Version 2. Collection method: clinical testing. Allele origin: germline. Affected: yes. Observed: 1 variant allele.
Comment: SMC1A: BP4, BP7

Blueprint Genetics
Classification: Likely benign. Last evaluated: 2022-08-25. Review status: criteria provided, single submitter. Criteria: ACMG Guidelines, 2015. Collection method: clinical testing. Allele origin: germline.

NM_006306.4(SMC1A):c.2814T>C (p.Ile938=)

Gene: SMC1A (structural maintenance of chromosomes 1A; minus strand). Cytogenetic location: Xp11.22.
Variant type: single nucleotide variant.
Coding change: c.2814T>C on transcript NM_006306.4 (MANE Select); coding-DNA position 2814, T replaced by C.
Protein change: p.Ile938=; no amino-acid change (isoleucine 938 retained).
Molecular consequence: synonymous variant.
Genome position (GRCh38, 1-based): chrX:53,396,275, A>G on the plus strand (T>C on the coding strand, the complement: SMC1A is on the minus strand). VCF-style: chrX-53396275-A-G. GRCh37 (hg19) VCF-style: chrX-53423195-A-G.
Other names: c.2748T>C, p.Ile916= (NM_001281463.1).
Identifiers: ClinVar variation 4821081 (VCV004821081.5).